The following is an entry in ClinVar:

NM_007294.4(BRCA1):c.3824T>G (p.Ile1275Arg)

Genes: BRCA1 (BRCA1 DNA repair associated; minus strand), LOC126862571 (BRD4-independent group 4 enhancer GRCh37_chr17:41243136-41244335; plus strand). Cytogenetic location: 17q21.31.
Variant type: single nucleotide variant.
Coding change: c.3824T>G on transcript NM_007294.4 (MANE Select); coding-DNA position 3824, T replaced by G.
Protein change: p.Ile1275Arg; replaces isoleucine 1275 with arginine.
Molecular consequence: missense variant. On other transcripts: intron variant (135).
Genome position (GRCh38, 1-based): chr17:43,091,707, A>C on the plus strand (T>G on the coding strand, the complement: BRCA1 is on the minus strand). VCF-style: chr17-43091707-A-C. GRCh37 (hg19) VCF-style: chr17-41243724-A-C.
Other names: c.3611T>G, p.Ile1204Arg (NM_001407571.1, NM_001407853.1, NM_001407894.1 and 9 more transcripts); c.3824T>G, p.Ile1275Arg (NM_001407581.1, NM_001407582.1, NM_001407583.1 and 30 more transcripts); c.3821T>G, p.Ile1274Arg (NM_001407587.1, NM_001407590.1, NM_001407591.1 and 22 more transcripts); c.3815T>G, p.Ile1272Arg (NM_001407646.1, NM_001407647.1); c.3701T>G, p.Ile1234Arg (NM_001407648.1, NM_001407664.1, NM_001407665.1 and 19 more transcripts); c.3698T>G, p.Ile1233Arg (NM_001407649.1, NM_001407670.1, NM_001407671.1 and 11 more transcripts); c.3746T>G, p.Ile1249Arg (NM_001407653.1, NM_001407654.1, NM_001407655.1 and 4 more transcripts); c.3743T>G, p.Ile1248Arg (NM_001407659.1, NM_001407660.1, NM_001407661.1 and 1 more transcripts); and 41 more; short protein forms I1164R, I1227R, I1228R, I1233R, I1207R, I1272R, I1274R, I1275R.
Identifiers: ClinVar variation 1735290 (VCV001735290.4), dbSNP rs2053516476, ClinGen allele CA10594317.

ClinVar aggregate classification (germline): Conflicting classifications of pathogenicity. Review status: criteria provided, conflicting classifications (1 of 4 stars). 2 submissions from 2 submitters: Uncertain significance (1); Likely benign (1). Last evaluated 2023-03-23.

Conditions:
Hereditary cancer-predisposing syndrome. Also called: Neoplastic Syndromes, Hereditary; Tumor predisposition; Hereditary Cancer Syndrome; Hereditary neoplastic syndrome. Identifiers: Orphanet 140162, MedGen C0027672, MeSH D009386, MONDO:0015356.

Submissions (2):

University of Washington Department of Laboratory Medicine, University of Washington
Classification: Likely benign for Hereditary cancer-predisposing syndrome. Last evaluated: 2023-03-23. Review status: criteria provided, single submitter. Criteria: Dines et al. (Genet Med. 2020). Collection method: curation. Allele origin: germline.
Comment: Missense variant in a coldspot region where missense variants are very unlikely to be pathogenic (PMID:31911673).

BRCA1 coldspot (exon 11 using historical exon numbering). Reclassification based on statistical prior probability

Ambry Genetics
Classification: Uncertain significance for Hereditary cancer-predisposing syndrome. Last evaluated: 2022-04-22. Review status: criteria provided, single submitter. Criteria: Ambry Variant Classification Scheme 2023. Collection method: clinical testing. Allele origin: germline.
Comment: The p.I1275R variant (also known as c.3824T>G), located in coding exon 9 of the BRCA1 gene, results from a T to G substitution at nucleotide position 3824. The isoleucine at codon 1275 is replaced by arginine, an amino acid with similar properties. This amino acid position is conserved. In addition, the in silico prediction for this alteration is inconclusive. Since supporting evidence is limited at this time, the clinical significance of this alteration remains unclear.